The following is an entry in ClinVar:

ClinVar aggregate classification (germline): Uncertain significance. Review status: criteria provided, multiple submitters, no conflicts (2 of 4 stars). 2 submissions from 2 submitters: Uncertain significance (2). Last evaluated 2024-03-07.

Conditions:
Familial thoracic aortic aneurysm and aortic dissection (TAAD). Also called: Thoracic aortic aneurysms and dissections. Identifiers: Orphanet 91387, MedGen C4707243, MONDO:0019625.
Ehlers-Danlos syndrome, type 4 (EDSVASC). Also called: Ehlers-Danlos Syndrome Type IV; Ehlers-Danlos syndrome vascular type; Ehlers Danlos syndrome, ecchymotic type; Ehlers Danlos syndrome, arterial type; Ehlers Danlos syndrome, Sack-Barabas type. Identifiers: Orphanet 286, MedGen C0268338, MONDO:0017314, OMIM 130050.

Allele frequency attached by ClinVar (database versions not stated): gnomAD 0.00001.
gnomAD v4.1: 15 of 1,614,056 alleles (0.00093%); highest among the groups gnomAD compares: Non-Finnish European, 0.0013%; no homozygotes.

Submissions (2):

Color Diagnostics, LLC DBA Color Health
Classification: Uncertain significance for Familial thoracic aortic aneurysm and aortic dissection. Last evaluated: 2024-03-07. Review status: criteria provided, single submitter. Criteria: ACMG Guidelines, 2015. Collection method: clinical testing. Allele origin: germline.
Comment: This missense variant replaces lysine with arginine at codon 436 of the COL3A1 protein. Computational prediction suggests that this variant may not impact protein structure and function (internally defined REVEL score threshold <= 0.5, PMID: 27666373). Splice site prediction tools suggest that this variant may not impact RNA splicing. To our knowledge, functional studies have not been performed for this variant. This variant has not been reported in individuals affected with cardiovascular disorders in the literature. This variant has been identified in 3/282528 chromosomes in the general population by the Genome Aggregation Database (gnomAD). The available evidence is insufficient to determine the role of this variant in disease conclusively. Therefore, this variant is classified as a Variant of Uncertain Significance.

Labcorp Genetics (formerly Invitae), Labcorp
Classification: Uncertain significance for Ehlers-Danlos syndrome, type 4. Last evaluated: 2021-11-10. Review status: criteria provided, single submitter. Criteria: Invitae Variant Classification Sherloc (09022015). Collection method: clinical testing. Allele origin: germline.
Comment: In summary, the available evidence is currently insufficient to determine the role of this variant in disease. Therefore, it has been classified as a Variant of Uncertain Significance. Advanced modeling of protein sequence and biophysical properties (such as structural, functional, and spatial information, amino acid conservation, physicochemical variation, residue mobility, and thermodynamic stability) performed at Invitae indicates that this missense variant is not expected to disrupt COL3A1 protein function. ClinVar contains an entry for this variant (Variation ID: 918598). This variant has not been reported in the literature in individuals affected with COL3A1-related conditions. This variant is present in population databases (no rsID available, gnomAD 0.002%). This sequence change replaces lysine, which is basic and polar, with arginine, which is basic and polar, at codon 436 of the COL3A1 protein (p.Lys436Arg).

NM_000090.4(COL3A1):c.1307A>G (p.Lys436Arg)

Gene: COL3A1 (collagen type III alpha 1 chain; plus strand). Cytogenetic location: 2q32.2.
Variant type: single nucleotide variant.
Coding change: c.1307A>G on transcript NM_000090.4 (MANE Select); coding-DNA position 1307, A replaced by G.
Protein change: p.Lys436Arg; replaces lysine 436 with arginine.
Molecular consequence: missense variant.
Genome position (GRCh38, 1-based): chr2:188,994,554, A>G. VCF-style: chr2-188994554-A-G. GRCh37 (hg19) VCF-style: chr2-189859280-A-G.
Other names: short protein forms K436R.
Identifiers: ClinVar variation 918598 (VCV000918598.10), dbSNP rs751471411, ClinGen allele CA349851638.